The following is an entry in ClinVar:

NM_002427.4(MMP13):c.174G>T (p.Glu58Asp)

Genes: MMP13 (matrix metallopeptidase 13; minus strand), LOC126861318 (BRD4-independent group 4 enhancer GRCh37_chr11:102825894-102827093; plus strand). Cytogenetic location: 11q22.2.
Variant type: single nucleotide variant.
Coding change: c.174G>T on transcript NM_002427.4 (MANE Select); coding-DNA position 174, G replaced by T.
Protein change: p.Glu58Asp; replaces glutamic acid 58 with aspartic acid.
Molecular consequence: missense variant.
Genome position (GRCh38, 1-based): chr11:102,955,440, C>A on the plus strand (G>T on the coding strand, the complement: MMP13 is on the minus strand). VCF-style: chr11-102955440-C-A. GRCh37 (hg19) VCF-style: chr11-102826169-C-A.
Other names: short protein forms E58D.
Identifiers: ClinVar variation 1058244 (VCV001058244.9), dbSNP rs749793838, ClinGen allele CA6252045.

ClinVar aggregate classification (germline): Uncertain significance (1 of 4 stars; one submission).

Submission:

Labcorp Genetics (formerly Invitae), Labcorp
Classification: Uncertain significance. Last evaluated: 2026-01-11. Review status: criteria provided, single submitter. Criteria: Invitae Variant Classification Sherloc (09022015). Collection method: clinical testing. Allele origin: germline.
Comment: This sequence change replaces glutamic acid, which is acidic and polar, with aspartic acid, which is acidic and polar, at codon 58 of the MMP13 protein (p.Glu58Asp). This variant is present in population databases (rs749793838, gnomAD 0.004%). This variant has not been reported in the literature in individuals affected with MMP13-related conditions. ClinVar contains an entry for this variant (Variation ID: 1058244). Invitae Evidence Modeling of protein sequence and biophysical properties (such as structural, functional, and spatial information, amino acid conservation, physicochemical variation, residue mobility, and thermodynamic stability) indicates that this missense variant is not expected to disrupt MMP13 protein function with a negative predictive value of 80%. In summary, the available evidence is currently insufficient to determine the role of this variant in disease. Therefore, it has been classified as a Variant of Uncertain Significance.